The following is an entry in ClinVar:

NM_000059.4(BRCA2):c.1528_1529del (p.Glu510fs)

Gene: BRCA2 (BRCA2 DNA repair associated; plus strand). Cytogenetic location: 13q13.1.
Variant type: Microsatellite.
Coding change: c.1528_1529del on transcript NM_000059.4 (MANE Select); coding-DNA positions 1528 to 1529, 2 bases deleted (GA; older notation c.1528_1529delGA).
Protein change: p.Glu510fs; shifts the reading frame from glutamic acid 510.
Molecular consequence: frameshift variant.
Genome position (GRCh38, 1-based): chr13:32,333,006-32,333,007, GA deleted; deleting any 2 consecutive bases within chr13:32,333,003-32,333,007 gives the same sequence; the c. name uses the placement nearest the transcript's 3' end. VCF-style (leftmost placement, unchanged base first): chr13-32333002-AAG-A. GRCh37 (hg19) VCF-style: chr13-32907139-AAG-A.
Other names: 1756delGA; c.1528_1529del (NM_000059.3); short protein forms E510fs.
Identifiers: ClinVar variation 266642 (VCV000266642.10), dbSNP rs886040372, ClinGen allele CA10589101.

ClinVar aggregate classification (germline): Pathogenic. Review status: reviewed by expert panel (3 of 4 stars). 3 submissions from 3 submitters: Pathogenic (1). 2 of the submissions do not count toward it. Last evaluated 2016-10-18.

Conditions:
Hereditary breast ovarian cancer syndrome. Also called: Hereditary breast and ovarian cancer; Hereditary breast and ovarian cancer syndrome (HBOC); Hereditary breast and/or ovarian cancer syndrome; Breast and ovarian cancer; Hereditary breast and ovarian cancer syndrome; BRCA1- and BRCA2-Associated Hereditary Breast and Ovarian Cancer. Identifiers: Orphanet 145, MedGen C0677776, MeSH D061325, MONDO:0003582. Disease mechanism: loss of function.
Breast-ovarian cancer, familial, susceptibility to, 2 (BROVCA2). Also called: BRCA2 Hereditary Breast and Ovarian Cancer. Identifiers: Orphanet 145, MedGen C2675520, MONDO:0012933, OMIM 612555. Disease mechanism: loss of function.

Submissions (3):

Evidence-based Network for the Interpretation of Germline Mutant Alleles (ENIGMA)
Classification: Pathogenic for Breast-ovarian cancer, familial, susceptibility to, 2. Last evaluated: 2016-10-18. Review status: reviewed by expert panel. Criteria: ENIGMA BRCA1/2 Classification Criteria (2015). Collection method: curation. Allele origin: germline.
Comment: Variant allele predicted to encode a truncated non-functional protein.

Labcorp Genetics (formerly Invitae), Labcorp
Classification: Pathogenic for Hereditary breast ovarian cancer syndrome. Last evaluated: 2024-06-04. Review status: criteria provided, single submitter. Criteria: Invitae Variant Classification Sherloc (09022015). Collection method: clinical testing. Allele origin: germline. Not counted in ClinVar's aggregate classification.
Comment: This sequence change creates a premature translational stop signal (p.Glu510Ilefs*3) in the BRCA2 gene. It is expected to result in an absent or disrupted protein product. Loss-of-function variants in BRCA2 are known to be pathogenic (PMID: 20104584). This variant is not present in population databases (gnomAD no frequency). This premature translational stop signal has been observed in individual(s) with breast cancer (PMID: 28724667). This variant is also known as c.1525_1526del (p.R509fs). ClinVar contains an entry for this variant (Variation ID: 266642). For these reasons, this variant has been classified as Pathogenic.

Consortium of Investigators of Modifiers of BRCA1/2 (CIMBA), c/o University of Cambridge
Classification: Pathogenic for Breast-ovarian cancer, familial, susceptibility to, 2. Last evaluated: 2015-10-02. Review status: criteria provided, single submitter. Criteria: CIMBA Mutation Classification guidelines May 2016. Collection method: clinical testing. Allele origin: germline. Not counted in ClinVar's aggregate classification.

Literature cited by the submitters: PubMed 20104584 (cited by Labcorp Genetics (formerly Invitae), Labcorp); PubMed 28724667 (cited by Labcorp Genetics (formerly Invitae), Labcorp).